The following is an entry in ClinVar:

NM_014639.4(SKIC3):c.1733G>T (p.Gly578Val)

Gene: SKIC3 (SKI3 subunit of superkiller complex; minus strand). Cytogenetic location: 5q15.
Variant type: single nucleotide variant.
Coding change: c.1733G>T on transcript NM_014639.4 (MANE Select); coding-DNA position 1733, G replaced by T.
Protein change: p.Gly578Val; replaces glycine 578 with valine.
Molecular consequence: missense variant.
Genome position (GRCh38, 1-based): chr5:95,523,226, C>A on the plus strand (G>T on the coding strand, the complement: SKIC3 is on the minus strand). VCF-style: chr5-95523226-C-A. GRCh37 (hg19) VCF-style: chr5-94858930-C-A.
Other names: short protein forms G578V.
Identifiers: ClinVar variation 1030338 (VCV001030338.2), dbSNP rs1747497202, ClinGen allele CA360463610.
Genomic context (GRCh38, chr5:95,523,226, plus strand): 5'-TGTCTAACATAGTTTAAATACAATAAGGTGCCTTACTCAGCCACTGCTTGAGAATGCTGA[C>A]CAGCTTTCAAATAGTATAGTCCTCGCCTAAGCCAGGCCCATTTTGCCGTTCCAGCACTTG-3'
Protein context (NP_055454.1, residues 568-588): LRRGLYYLKA[Gly578Val]QHSQAVADLQ

ClinVar aggregate classification (germline): Uncertain significance (1 of 4 stars; one submission).

Conditions:
Trichohepatoenteric syndrome 1 (THES1). Also called: DIARRHEA, FATAL INFANTILE, WITH TRICHORRHEXIS NODOSA. Identifiers: Orphanet 84064, MedGen C4551982, MONDO:0024541, OMIM 222470.

Submission:

Baylor Genetics
Classification: Uncertain significance for Trichohepatoenteric syndrome 1. Last evaluated: 2019-03-08. Review status: criteria provided, single submitter. Criteria: ACMG Guidelines, 2015. Collection method: clinical testing. Allele origin: paternal. Affected: yes.
Comment: This variant was determined to be of uncertain significance according to ACMG Guidelines, 2015 [PMID:25741868].